The following is an entry in ClinVar:

NM_020750.3(XPO5):c.551A>G (p.Gln184Arg)

Gene: XPO5 (exportin 5; minus strand). Cytogenetic location: 6p21.1.
Variant type: single nucleotide variant.
Coding change: c.551A>G on transcript NM_020750.3 (MANE Select); coding-DNA position 551, A replaced by G.
Protein change: p.Gln184Arg; replaces glutamine 184 with arginine.
Molecular consequence: missense variant. On other transcripts: non-coding transcript variant (1).
Genome position (GRCh38, 1-based): chr6:43,570,572, T>C on the plus strand (A>G on the coding strand, the complement: XPO5 is on the minus strand). VCF-style: chr6-43570572-T-C. GRCh37 (hg19) VCF-style: chr6-43538309-T-C.
Other names: c.551A>G (NM_020750.2); short protein forms Q184R.
Identifiers: ClinVar variation 3706529 (VCV003706529.3).

ClinVar aggregate classification (germline): Uncertain significance. Review status: criteria provided, multiple submitters, no conflicts (2 of 4 stars). 2 submissions from 2 submitters: Uncertain significance (2). Last evaluated 2025-08-07.

gnomAD v4.1: 29 of 1,613,874 alleles (0.0018%); highest among the groups gnomAD compares: Non-Finnish European, 0.0024%; no homozygotes.

Submissions (2):

Ambry Genetics
Classification: Uncertain significance. Last evaluated: 2025-08-07. Review status: criteria provided, single submitter. Criteria: Ambry Variant Classification Scheme 2023. Collection method: clinical testing. Allele origin: germline.

Labcorp Genetics (formerly Invitae), Labcorp
Classification: Uncertain significance. Last evaluated: 2024-11-22. Review status: criteria provided, single submitter. Criteria: Invitae Variant Classification Sherloc (09022015). Collection method: clinical testing. Allele origin: germline.
Comment: This sequence change replaces glutamine, which is neutral and polar, with arginine, which is basic and polar, at codon 184 of the XPO5 protein (p.Gln184Arg). This variant is present in population databases (rs377472859, gnomAD 0.009%). This variant has not been reported in the literature in individuals affected with XPO5-related conditions. An algorithm developed to predict the effect of missense changes on protein structure and function (PolyPhen-2) suggests that this variant is likely to be disruptive. In summary, the available evidence is currently insufficient to determine the role of this variant in disease. Therefore, it has been classified as a Variant of Uncertain Significance.